The following is an entry in ClinVar:

NM_004817.4(TJP2):c.3407+3A>G

Gene: TJP2 (tight junction protein 2; plus strand). Cytogenetic location: 9q21.11.
Variant type: single nucleotide variant.
Coding change: c.3407+3A>G on transcript NM_004817.4 (MANE Select); 3 bases into the intron after coding-DNA position 3407, A replaced by G.
Molecular consequence: intron variant.
Genome position (GRCh38, 1-based): chr9:69,252,903, A>G. VCF-style: chr9-69252903-A-G. GRCh37 (hg19) VCF-style: chr9-71867819-A-G.
Other names: c.2897+3A>G (NM_001170414.2); c.3332+3A>G (NM_001369870.1); c.3338+3A>G (NM_001369871.1); c.2966+3A>G (NM_201629.3); c.3296+3A>G (NM_001369872.1); c.3083+3A>G (NM_001369873.1); c.3308+3A>G (NM_001170415.1); c.3500+3A>G (NM_001170416.2); and 2 more.
Identifiers: ClinVar variation 180018 (VCV000180018.8), dbSNP rs727505291, ClinGen allele CA185645.

ClinVar aggregate classification (germline): Likely benign. Review status: criteria provided, multiple submitters, no conflicts (2 of 4 stars). 3 submissions from 3 submitters: Likely benign (3). Last evaluated 2025-05-19.

Conditions:
Cholestasis, progressive familial intrahepatic, 4. Identifiers: Orphanet 480483, Orphanet 79304, MedGen C2931067, MONDO:0014381, OMIM 615878.
Hypercholanemia, familial 1 (FHCA1). Identifiers: Orphanet 238475, MedGen C5542604, MONDO:0031446, OMIM 607748.

Allele frequency attached by ClinVar (database versions not stated): gnomAD exomes 0.00006 and 0.00025; gnomAD 0.00007 and 0.00008; TOPMed 0.00009; ExAC 0.00022.
gnomAD v4.1: 96 of 1,614,128 alleles (0.0059%); highest among the groups gnomAD compares: East Asian, 0.2%; no homozygotes.

Submissions (3):

Labcorp Genetics (formerly Invitae), Labcorp
Classification: Likely benign. Last evaluated: 2025-05-19. Review status: criteria provided, single submitter. Criteria: Invitae Variant Classification Sherloc (09022015). Collection method: clinical testing. Allele origin: germline.

Fulgent Genetics
Classification: Likely benign for Hypercholanemia, familial 1; Cholestasis, progressive familial intrahepatic, 4. Last evaluated: 2021-09-02. Review status: criteria provided, single submitter. Criteria: ACMG Guidelines, 2015. Collection method: clinical testing. Allele origin: unknown.

Laboratory for Molecular Medicine, Mass General Brigham Personalized Medicine
Classification: Likely benign. Last evaluated: 2014-10-17. Review status: criteria provided, single submitter. Criteria: LMM Criteria. Collection method: clinical testing. Allele origin: germline. Observed: 1 variant allele.
Comment: c.2897+3A>G in intron 21 of TJP2: This variant is not expected to have clinical significance because it does not cause the splice site sequence to diverge from consensus and computational tools do not suggest an impact on splicing.

Literature cited by the submitters: PubMed 23767834 (cited by Laboratory for Molecular Medicine, Mass General Brigham Personalized Medicine).